The following is an entry in ClinVar:

ClinVar aggregate classification (germline): Conflicting classifications of pathogenicity. Review status: criteria provided, conflicting classifications (1 of 4 stars). 2 submissions from 2 submitters: Uncertain significance (1); Benign (1). Last evaluated 2025-07-13.

Conditions:
Primary ciliary dyskinesia. Also called: Ciliary dyskinesia. Identifiers: Orphanet 244, MedGen C0008780, MONDO:0016575, HP:0012265.

gnomAD v4.1: 27 of 1,613,346 alleles (0.0017%); highest among the groups gnomAD compares: South Asian, 0.027%; 1 homozygote.

Submissions (2):

Ambry Genetics
Classification: Uncertain significance for Primary ciliary dyskinesia. Last evaluated: 2025-07-13. Review status: criteria provided, single submitter. Criteria: Ambry Variant Classification Scheme 2023. Collection method: clinical testing. Allele origin: germline.
Comment: The p.L1663V variant (also known as c.4987C>G), located in coding exon 29 of the DNAH11 gene, results from a C to G substitution at nucleotide position 4987. The leucine at codon 1663 is replaced by valine, an amino acid with highly similar properties. This amino acid position is conserved. In addition, this alteration is predicted to be tolerated by in silico analysis. Based on the available evidence, the clinical significance of this variant remains unclear.

Labcorp Genetics (formerly Invitae), Labcorp
Classification: Benign for Primary ciliary dyskinesia. Last evaluated: 2024-03-16. Review status: criteria provided, single submitter. Criteria: Invitae Variant Classification Sherloc (09022015). Collection method: clinical testing. Allele origin: germline.

NM_001277115.2(DNAH11):c.4987C>G (p.Leu1663Val)

Gene: DNAH11 (dynein axonemal heavy chain 11; plus strand). Cytogenetic location: 7p15.3.
Variant type: single nucleotide variant.
Coding change: c.4987C>G on transcript NM_001277115.2 (MANE Select); coding-DNA position 4987, C replaced by G.
Protein change: p.Leu1663Val; replaces leucine 1663 with valine.
Molecular consequence: missense variant.
Genome position (GRCh38, 1-based): chr7:21,655,874, C>G. VCF-style: chr7-21655874-C-G. GRCh37 (hg19) VCF-style: chr7-21695492-C-G.
Other names: c.5002C>G, p.Leu1668Val (NM_003777.3); c.4987C>G (NM_001277115.1); short protein forms L1668V, L1663V.
Identifiers: ClinVar variation 2848252 (VCV002848252.4), dbSNP rs541180386, ClinGen allele CA4180263.